The following is an entry in ClinVar:

ClinVar aggregate classification (germline): Uncertain significance. Review status: criteria provided, single submitter (1 of 4 stars). 2 submissions from 2 submitters: Uncertain significance (1). 1 of the submissions does not count toward it. Last evaluated 2021-11-29.

Conditions:
Carnitine palmitoyl transferase 1A deficiency. Also called: Carnitine palmitoyltransferase type I deficiency; CPT I DEFICIENCY; CPT DEFICIENCY, HEPATIC, TYPE I; CPT deficiency, hepatic, type IA; Carnitine palmitoyltransferase 1A deficiency. Identifiers: Orphanet 156, MedGen C1829703, MONDO:0009705, OMIM 255120.

Allele frequency attached by ClinVar (database versions not stated): ExAC 0.00002; gnomAD exomes 0.00003; gnomAD 0.00004; TOPMed 0.00004; ESP Exome Variant Server 0.00008.
gnomAD v4.1: 60 of 1,613,890 alleles (0.0037%); highest among the groups gnomAD compares: East Asian, 0.018%; no homozygotes.

Submissions (2):

Labcorp Genetics (formerly Invitae), Labcorp
Classification: Uncertain significance for Carnitine palmitoyl transferase 1A deficiency. Last evaluated: 2021-11-29. Review status: criteria provided, single submitter. Criteria: Invitae Variant Classification Sherloc (09022015). Collection method: clinical testing. Allele origin: germline.
Comment: This sequence change replaces valine, which is neutral and non-polar, with isoleucine, which is neutral and non-polar, at codon 335 of the CPT1A protein (p.Val335Ile). This variant is present in population databases (rs112620511, gnomAD 0.01%). This variant has not been reported in the literature in individuals affected with CPT1A-related conditions. ClinVar contains an entry for this variant (Variation ID: 990115). Algorithms developed to predict the effect of missense changes on protein structure and function (SIFT, PolyPhen-2, Align-GVGD) all suggest that this variant is likely to be tolerated. In summary, the available evidence is currently insufficient to determine the role of this variant in disease. Therefore, it has been classified as a Variant of Uncertain Significance.

Natera, Inc.
Classification: Uncertain significance for Carnitine palmitoyltransferase type I deficiency. Last evaluated: 2020-04-16. Review status: no assertion criteria provided. Collection method: clinical testing. Allele origin: germline. Not counted in ClinVar's aggregate classification.

NM_001876.4(CPT1A):c.1003G>A (p.Val335Ile)

Gene: CPT1A (carnitine palmitoyltransferase 1A; minus strand). Cytogenetic location: 11q13.3.
Variant type: single nucleotide variant.
Coding change: c.1003G>A on transcript NM_001876.4 (MANE Select); coding-DNA position 1003, G replaced by A.
Protein change: p.Val335Ile; replaces valine 335 with isoleucine.
Molecular consequence: missense variant.
Genome position (GRCh38, 1-based): chr11:68,784,975, C>T on the plus strand (G>A on the coding strand, the complement: CPT1A is on the minus strand). VCF-style: chr11-68784975-C-T. GRCh37 (hg19) VCF-style: chr11-68552443-C-T.
Other names: c.1003G>A, p.Val335Ile (NM_001031847.3); short protein forms V335I.
Identifiers: ClinVar variation 990115 (VCV000990115.6), dbSNP rs112620511, ClinGen allele CA6152439.